The following is an entry in ClinVar:

NM_031407.7(HUWE1):c.12837G>C (p.Gln4279His)

Gene: HUWE1 (HECT, UBA and WWE domain containing E3 ubiquitin protein ligase 1; minus strand). Cytogenetic location: Xp11.22.
Variant type: single nucleotide variant.
Coding change: c.12837G>C on transcript NM_031407.7 (MANE Select); coding-DNA position 12837, G replaced by C.
Protein change: p.Gln4279His; replaces glutamine 4279 with histidine.
Molecular consequence: missense variant.
Genome position (GRCh38, 1-based): chrX:53,534,192, C>G on the plus strand (G>C on the coding strand, the complement: HUWE1 is on the minus strand). VCF-style: chrX-53534192-C-G. GRCh37 (hg19) VCF-style: chrX-53561153-C-G.
Other names: c.12789G>C, p.Gln4263His (NM_001441048.1, NM_001441053.1, NM_001441058.1); c.12792G>C, p.Gln4264His (NM_001441049.1, NM_001441054.1); c.12813G>C, p.Gln4271His (NM_001441050.1, NM_001441055.1); c.12834G>C, p.Gln4278His (NM_001441051.1, NM_001441056.1); c.12435G>C, p.Gln4145His (NM_001441052.1); c.12837G>C, p.Gln4279His (NM_001441057.1); short protein forms Q4145H, Q4263H, Q4264H, Q4271H, Q4278H, Q4279H.
Identifiers: ClinVar variation 4527895 (VCV004527895.1).
Genomic context (GRCh38, chrX:53,534,192, plus strand): 5'-AAACTGGAGGAACTTGGCACGGTCAGCTTGATCGAAAGAACGCAATGCTCTCCAGAACCA[C>G]TGGATCTGTAGGAAGGGACCCATGAAGCCAGTGTTAGGTAGAAAGCTCCTAGAAGCAGGG-3'
Protein context (NP_113584.3, residues 4269-4289): HKYQSNSIQI[Gln4279His]WFWRALRSFD

ClinVar aggregate classification (germline): Uncertain significance (1 of 4 stars; one submission).

gnomAD v4.1: 2 of 1,205,873 alleles (0.00017%); highest among the groups gnomAD compares: African/African-American, 0.0018%; no homozygotes.

Submission:

GeneDx
Classification: Uncertain significance. Last evaluated: 2025-05-08. Review status: criteria provided, single submitter. Criteria: GeneDx Variant Classification Process June 2021. Collection method: clinical testing. Allele origin: germline. Affected: yes.
Comment: Not observed at significant frequency in large population cohorts (gnomAD); In silico analysis supports that this missense variant has a deleterious effect on protein structure/function; Has not been previously published as pathogenic or benign to our knowledge